The following is an entry in ClinVar:

ClinVar aggregate classification (germline): Likely benign (1 of 4 stars; one submission).

Conditions:
POLD3-related disorder. Also called: POLD3-related condition.

gnomAD v4.1: 561 of 1,609,378 alleles (0.035%); highest among the groups gnomAD compares: South Asian, 0.58%; 5 homozygotes.

Submission:

PreventionGenetics, part of Exact Sciences
Classification: Likely benign for POLD3-related condition. Last evaluated: 2025-12-17. Review status: criteria provided, single submitter. Criteria: ACMG Guidelines, 2015. Collection method: clinical testing. Allele origin: germline.
Comment: This variant is classified as likely benign based on ACMG/AMP sequence variant interpretation guidelines (Richards et al. 2015 PMID: 25741868, with internal and published modifications).

NM_006591.3(POLD3):c.962G>A (p.Arg321Lys)

Gene: POLD3 (DNA polymerase delta 3, accessory subunit; plus strand). Cytogenetic location: 11q13.4.
Variant type: single nucleotide variant.
Coding change: c.962G>A on transcript NM_006591.3 (MANE Select); coding-DNA position 962, G replaced by A.
Protein change: p.Arg321Lys; replaces arginine 321 with lysine.
Molecular consequence: missense variant. On other transcripts: non-coding transcript variant (2).
Genome position (GRCh38, 1-based): chr11:74,629,279, G>A. VCF-style: chr11-74629279-G-A. GRCh37 (hg19) VCF-style: chr11-74340324-G-A.
Other names: c.845G>A, p.Arg282Lys (NM_001363597.2); short protein forms R282K, R321K.
Identifiers: ClinVar variation 4982735 (VCV004982735.1).
Genomic context (GRCh38, chr11:74,629,279, plus strand): 5'-GGAAGCGAGTAGCATTATCTGATGATGAGACAAAGGAAACTGAAAACATGAGGAAAAAGA[G>A]GAGAAGAATCAAACTTCCTGAATCTGATAGCAGTGAAGATGAAGGTGGGCATTACCATTC-3'
Protein context (NP_006582.1, residues 311-331): TKETENMRKK[Arg321Lys]RRIKLPESDS